The following is an entry in ClinVar:

NM_001100.4(ACTA1):c.11A>G (p.Glu4Gly)

Gene: ACTA1 (actin alpha 1, skeletal muscle; minus strand). Cytogenetic location: 1q42.13.
Variant type: single nucleotide variant.
Coding change: c.11A>G on transcript NM_001100.4 (MANE Select); coding-DNA position 11, A replaced by G.
Protein change: p.Glu4Gly; replaces glutamic acid 4 with glycine.
Molecular consequence: missense variant.
Genome position (GRCh38, 1-based): chr1:229,433,105, T>C on the plus strand (A>G on the coding strand, the complement: ACTA1 is on the minus strand). VCF-style: chr1-229433105-T-C. GRCh37 (hg19) VCF-style: chr1-229568852-T-C.
Other names: short protein forms E4G.
Identifiers: ClinVar variation 3263489 (VCV003263489.1).

ClinVar aggregate classification (germline): Uncertain significance (1 of 4 stars; one submission).

Conditions:
Inborn genetic diseases. Identifiers: MedGen C0950123, MeSH D030342.

Submission:

Ambry Genetics
Classification: Uncertain significance for Inborn genetic diseases. Last evaluated: 2024-06-12. Review status: criteria provided, single submitter. Criteria: Ambry Variant Classification Scheme 2023. Collection method: clinical testing. Allele origin: germline.
Comment: The c.11A>G (p.E4G) alteration is located in exon 2 (coding exon 1) of the ACTA1 gene. This alteration results from a A to G substitution at nucleotide position 11, causing the glutamic acid (E) at amino acid position 4 to be replaced by a glycine (G). This variant was not reported in population-based cohorts in the Genome Aggregation Database (gnomAD). This amino acid position is not well conserved in available vertebrate species. The in silico prediction for this alteration is inconclusive. Based on insufficient or conflicting evidence, the clinical significance of this alteration remains unclear.